The following is an entry in ClinVar:

ClinVar aggregate classification (germline): Benign. Review status: criteria provided, multiple submitters, no conflicts (2 of 4 stars). 3 submissions from 3 submitters: Benign (3). Last evaluated 2024-07-15.

Allele frequency attached by ClinVar (database versions not stated): 1000 Genomes Project 0.99341.

Submissions (3):

Unidad de Genómica Garrahan, Hospital de Pediatría Garrahan
Classification: Benign. Last evaluated: 2024-07-15. Review status: criteria provided, single submitter. Criteria: ACMG Guidelines, 2015. Collection method: clinical testing. Allele origin: germline. Affected: no. Observed: 58 variant alleles.
Comment: This variant is classified as Benign based on local population frequency. This variant was detected in 62% of patients studied in a panel designed for Epileptic and Developmental Encephalopathy and Progressive Myoclonus Epilepsy. Number of patients: 58. Only high quality variants are reported.

GeneDx
Classification: Benign. Last evaluated: 2019-08-24. Review status: criteria provided, single submitter. Criteria: GeneDx Variant Classification Process June 2021. Collection method: clinical testing. Allele origin: germline. Affected: yes.

Breakthrough Genomics
Classification: Benign. Review status: criteria provided, single submitter. Criteria: ACMG Guidelines, 2015. Collection method: not provided. Allele origin: germline. Inheritance: Autosomal dominant inheritance. Affected: yes.

NM_002473.6(MYH9):c.333+59G>A

Gene: MYH9 (myosin heavy chain 9; minus strand). Cytogenetic location: 22q12.3.
Variant type: single nucleotide variant.
Coding change: c.333+59G>A on transcript NM_002473.6 (MANE Select); 59 bases into the intron after coding-DNA position 333, G replaced by A.
Molecular consequence: intron variant.
Genome position (GRCh38, 1-based): chr22:36,348,845, C>T on the plus strand (G>A on the coding strand, the complement: MYH9 is on the minus strand). VCF-style: chr22-36348845-C-T. GRCh37 (hg19) VCF-style: chr22-36744890-C-T.
Identifiers: ClinVar variation 1270520 (VCV001270520.4), dbSNP rs55932404, ClinGen allele CA14959275.
Genomic context (GRCh38, chr22:36,348,845, plus strand): 5'-CCCCCTTCTCAACCAGAGAGCCAGGGCCCAGGCACGTGAGGGTGATGGGAAGACCCGCCC[C>T]CCCCCCCCACCTCGGAGCCCTCAGACCCAGCCTGCGGGGTGCCACGGCAGCCACTTACGT-3'